The following is an entry in ClinVar:

NM_001031855.3(LONRF3):c.2220A>G (p.Leu740=)

Gene: LONRF3 (LON peptidase N-terminal domain and ring finger 3; plus strand). Cytogenetic location: Xq24.
Variant type: single nucleotide variant.
Coding change: c.2220A>G on transcript NM_001031855.3 (MANE Select); coding-DNA position 2220, A replaced by G.
Protein change: p.Leu740=; no amino-acid change (leucine 740 retained).
Molecular consequence: synonymous variant. On other transcripts: non-coding transcript variant (1).
Genome position (GRCh38, 1-based): chrX:119,017,630, A>G. VCF-style: chrX-119017630-A-G. GRCh37 (hg19) VCF-style: chrX-118151593-A-G.
Other names: c.1452A>G, p.Leu484= (NM_001289109.1); c.2097A>G, p.Leu699= (NM_024778.5).
Identifiers: ClinVar variation 2661284 (VCV002661284.24), dbSNP rs372626612, ClinGen allele CA10500776.

ClinVar aggregate classification (germline): Likely benign (1 of 4 stars; one submission).

Allele frequency attached by ClinVar (database versions not stated): ESP Exome Variant Server 0.00009; gnomAD exomes 0.00010; ExAC 0.00016; gnomAD 0.00005; TOPMed 0.00005.
gnomAD v4.1: 114 of 1,209,047 alleles (0.0094%); highest among the groups gnomAD compares: Middle Eastern, 0.069%; no homozygotes.

Submission:

CeGaT Center for Human Genetics Tuebingen
Classification: Likely benign. Last evaluated: 2022-07-01. Review status: criteria provided, single submitter. Criteria: CeGaT Center For Human Genetics Tuebingen Variant Classification Criteria Version 2. Collection method: clinical testing. Allele origin: germline. Affected: yes. Observed: 1 variant allele.
Comment: LONRF3: BP4, BP7